The following is an entry in ClinVar:

ClinVar aggregate classification (germline): Uncertain significance (1 of 4 stars; one submission).

Conditions:
Elliptocytosis 2 (EL2). Also called: ELLIPTOCYTOSIS, RHESUS-UNLINKED TYPE. Identifiers: Orphanet 288, MedGen C1851741, MONDO:0007533, OMIM 130600.

Allele frequency attached by ClinVar (database versions not stated): gnomAD exomes below 0.00001.
gnomAD v4.1: 7 of 1,613,350 alleles (0.00043%); highest among the groups gnomAD compares: Non-Finnish European, 0.00051%; no homozygotes.

Submission:

MGZ Medical Genetics Center
Classification: Uncertain significance for Elliptocytosis 2. Last evaluated: 2022-03-01. Review status: criteria provided, single submitter. Criteria: ACMG Guidelines, 2015. Collection method: clinical testing. Allele origin: germline. Affected: yes. Observed: 1 variant allele.
Comment: ACMG criteria applied: PM2_SUP

NM_003126.4(SPTA1):c.6592G>A (p.Ala2198Thr)

Gene: SPTA1 (spectrin alpha, erythrocytic 1; minus strand). Cytogenetic location: 1q23.1.
Variant type: single nucleotide variant.
Coding change: c.6592G>A on transcript NM_003126.4 (MANE Select); coding-DNA position 6592, G replaced by A.
Protein change: p.Ala2198Thr; replaces alanine 2198 with threonine.
Molecular consequence: missense variant.
Genome position (GRCh38, 1-based): chr1:158,617,545, C>T on the plus strand (G>A on the coding strand, the complement: SPTA1 is on the minus strand). VCF-style: chr1-158617545-C-T. GRCh37 (hg19) VCF-style: chr1-158587335-C-T.
Other names: short protein forms A2198T.
Identifiers: ClinVar variation 1709162 (VCV001709162.2), dbSNP rs1649631120, ClinGen allele CA343015699.